The following is an entry in ClinVar:

NM_004972.4(JAK2):c.2813G>A (p.Arg938Gln)

Genes: INSL6 (insulin like 6; minus strand), JAK2 (Janus kinase 2; plus strand). Cytogenetic location: 9p24.1.
Variant type: single nucleotide variant.
Coding change: c.2813G>A on transcript NM_004972.4 (MANE Select); coding-DNA position 2813, G replaced by A.
Protein change: p.Arg938Gln; replaces arginine 938 with glutamine.
Molecular consequence: missense variant. On other transcripts: non-coding transcript variant (2).
Genome position (GRCh38, 1-based): chr9:5,090,497, G>A. VCF-style: chr9-5090497-G-A. GRCh37 (hg19) VCF-style: chr9-5090497-G-A.
Other names: c.2813G>A, p.Arg938Gln (NM_001322194.2, NM_001322195.2, NM_001322196.2); c.1598G>A, p.Arg533Gln (NM_001322198.2, NM_001322199.2); c.2366G>A, p.Arg789Gln (NM_001322204.2); short protein forms R533Q, R789Q, R938Q.
Identifiers: ClinVar variation 4813688 (VCV004813688.1).
Genomic context (GRCh38, chr9:5,090,497, plus strand): 5'-TGTTAAAAGGTCGGCGTAATCTAAAATTAATTATGGAATATTTACCATATGGAAGTTTAC[G>A]AGACTATCTTCAAAAACATAAAGAACGGATAGATCACATAAAACTTCTGCAGTACACATC-3'
Protein context (NP_004963.1, residues 928-948): IMEYLPYGSL[Arg938Gln]DYLQKHKERI

ClinVar aggregate classification (germline): Likely pathogenic (1 of 4 stars; one submission).

Conditions:
Thrombocythemia 3 (THCYT3). Also called: THROMBOCYTOSIS 3; THROMBOCYTHEMIA 3, SOMATIC. Identifiers: MedGen C3281125, MONDO:0013794, OMIM 614521.

gnomAD v4.1: 3 of 1,588,508 alleles (0.00019%); highest among the groups gnomAD compares: African/African-American, 0.0027%; no homozygotes.

Submission:

Variantyx, Inc.
Classification: Likely pathogenic for Thrombocythemia 3. Last evaluated: 2025-06-02. Review status: criteria provided, single submitter. Criteria: Variantyx Assertion Criteria 2022. Collection method: clinical testing. Allele origin: germline. Inheritance: Autosomal recessive inheritance. Affected: yes.
Comment: This is a nonsynonymous variant in the JAK2 gene (OMIM: 147796). Pathogenic variants in this gene have been associated with autosomal dominant thrombocythemia 3. This variant lies within a known hotspot for pathogenic variants or a well-established critical functional domain of the JAK2 protein (PMID: 24398328) (PM1). Functional studies have shown that this variant alters JAK2 protein function (PMID: 24398328) (PS3) and multiple computational algorithms predict a deleterious effect for this variant (REVEL score: 0.918) (PP3). This variant has a 0.0027% maximum allele frequency in non-founder control populations (PM2). Based on the current evidence, this variant is classified as likely pathogenic for autosomal dominant thrombocythemia 3.

Literature cited by the submitters: PubMed 24398328.